The following is an entry in ClinVar:

ClinVar aggregate classification (germline): Uncertain significance (1 of 4 stars; one submission).

Conditions:
Familial hemophagocytic lymphohistiocytosis 5. Also called: STXBP2-Related Familial Hemophagocytic Lymphohistiocytosis (STXBP2-fHLH). Identifiers: Orphanet 540, MedGen C2751293, MONDO:0013135, OMIM 613101.

Allele frequency attached by ClinVar (database versions not stated): ExAC 0.00001; gnomAD exomes 0.00001; TOPMed 0.00003; gnomAD 0.00005 and 0.00006.

Submission:

Labcorp Genetics (formerly Invitae), Labcorp
Classification: Uncertain significance for Familial hemophagocytic lymphohistiocytosis 5. Last evaluated: 2022-06-03. Review status: criteria provided, single submitter. Criteria: Invitae Variant Classification Sherloc (09022015). Collection method: clinical testing. Allele origin: germline.
Comment: This sequence change replaces alanine, which is neutral and non-polar, with threonine, which is neutral and polar, at codon 396 of the STXBP2 protein (p.Ala396Thr). This variant is present in population databases (rs768077536, gnomAD 0.01%). This variant has not been reported in the literature in individuals affected with STXBP2-related conditions. ClinVar contains an entry for this variant (Variation ID: 1402441). Algorithms developed to predict the effect of missense changes on protein structure and function output the following: SIFT: "Tolerated"; PolyPhen-2: "Benign"; Align-GVGD: "Class C0". The threonine amino acid residue is found in multiple mammalian species, which suggests that this missense change does not adversely affect protein function. In summary, the available evidence is currently insufficient to determine the role of this variant in disease. Therefore, it has been classified as a Variant of Uncertain Significance.

NM_006949.4(STXBP2):c.1186G>A (p.Ala396Thr)

Gene: STXBP2 (syntaxin binding protein 2; plus strand). Cytogenetic location: 19p13.2.
Variant type: single nucleotide variant.
Coding change: c.1186G>A on transcript NM_006949.4 (MANE Select); coding-DNA position 1186, G replaced by A.
Protein change: p.Ala396Thr; replaces alanine 396 with threonine.
Molecular consequence: missense variant. On other transcripts: non-coding transcript variant (1).
Genome position (GRCh38, 1-based): chr19:7,644,692, G>A. VCF-style: chr19-7644692-G-A. GRCh37 (hg19) VCF-style: chr19-7709578-G-A.
Other names: c.1177G>A, p.Ala393Thr (NM_001127396.3); c.1219G>A, p.Ala407Thr (NM_001272034.2); short protein forms A393T, A396T, A407T.
Identifiers: ClinVar variation 1402441 (VCV001402441.9), dbSNP rs768077536, ClinGen allele CA9144019.